The following is an entry in ClinVar:

ClinVar aggregate classification (germline): Uncertain significance. Review status: criteria provided, multiple submitters, no conflicts (2 of 4 stars). 5 submissions from 5 submitters: Uncertain significance (4). 1 of the submissions does not count toward it. Last evaluated 2025-12-09.

Conditions:
Colorectal cancer, susceptibility to, 12 (CRCS12). Also called: COLORECTAL CANCER, SUSCEPTIBILITY TO, ON CHROMOSOME 12q24. Identifiers: Orphanet 220460, MedGen C3554460, MONDO:0014038, OMIM 615083.
Facial dysmorphism-immunodeficiency-livedo-short stature syndrome. Also called: Facial dysmorphism, immunodeficiency, livedo, and short stature; FILS syndrome. Identifiers: Orphanet 352712, MedGen C3554576, MONDO:0014058, OMIM 615139.
Intrauterine growth retardation, metaphyseal dysplasia, adrenal hypoplasia congenita, genital anomalies, and immunodeficiency. Also called: IMAGEI SYNDROME. Identifiers: MedGen C5193036, MONDO:0032684, OMIM 618336.
Hereditary cancer-predisposing syndrome. Also called: Tumor predisposition; Neoplastic Syndromes, Hereditary; Hereditary Cancer Syndrome; Hereditary neoplastic syndrome. Identifiers: Orphanet 140162, MedGen C0027672, MeSH D009386, MONDO:0015356.

Submissions (5):

Labcorp Genetics (formerly Invitae), Labcorp
Classification: Uncertain significance. Last evaluated: 2025-12-09. Review status: criteria provided, single submitter. Criteria: Invitae Variant Classification Sherloc (09022015). Collection method: clinical testing. Allele origin: germline.
Comment: This variant, c.5528_5530del, results in the deletion of 1 amino acid(s) of the POLE protein (p.Asn1843del), but otherwise preserves the integrity of the reading frame. This variant is present in population databases (no rsID available, gnomAD 0.0009%). This variant has not been reported in the literature in individuals affected with POLE-related conditions. ClinVar contains an entry for this variant (Variation ID: 240562). Experimental studies and prediction algorithms are not available or were not evaluated, and the functional significance of this variant is currently unknown. In summary, the available evidence is currently insufficient to determine the role of this variant in disease. Therefore, it has been classified as a Variant of Uncertain Significance.

Ambry Genetics
Classification: Uncertain significance for Hereditary cancer-predisposing syndrome. Last evaluated: 2025-04-10. Review status: criteria provided, single submitter. Criteria: Ambry Variant Classification Scheme 2023. Collection method: clinical testing. Allele origin: germline.
Comment: The c.5528_5530delACA variant (also known as p.N1843del) is located in coding exon 40 of the POLE gene. This variant results from an in-frame ACA deletion at nucleotide positions 5528 to 5530. This results in the in-frame deletion of an asparagine at codon 1843. This amino acid position is not well conserved in available vertebrate species. Based on the available evidence, the clinical significance of this variant remains unclear.

GeneDx
Classification: Uncertain significance. Last evaluated: 2024-01-23. Review status: criteria provided, single submitter. Criteria: GeneDx Variant Classification Process June 2021. Collection method: clinical testing. Allele origin: germline. Affected: yes.
Comment: Not observed at significant frequency in large population cohorts (gnomAD); In-frame deletion of 1 amino acid in a non-repeat region; In silico analysis supports a deleterious effect on protein structure/function; Has not been previously published as pathogenic or benign to our knowledge; This variant is associated with the following publications: (PMID: 29056344)

Fulgent Genetics
Classification: Uncertain significance for Colorectal cancer, susceptibility to, 12; Facial dysmorphism-immunodeficiency-livedo-short stature syndrome; Intrauterine growth retardation, metaphyseal dysplasia, adrenal hypoplasia congenita, genital anomalies, and immunodeficiency. Last evaluated: 2022-04-20. Review status: criteria provided, single submitter. Criteria: ACMG Guidelines, 2015. Collection method: clinical testing. Allele origin: unknown.

Counsyl
Classification: Uncertain significance for Colorectal cancer, susceptibility to, 12. Last evaluated: 2018-01-15. Review status: no assertion criteria provided. Collection method: clinical testing. Allele origin: unknown. Not counted in ClinVar's aggregate classification.

NM_006231.4(POLE):c.5525ACA[1] (p.Asn1843del)

Gene: POLE (DNA polymerase epsilon, catalytic subunit; minus strand). Cytogenetic location: 12q24.33.
Variant type: Microsatellite.
Coding change: c.5525ACA[1] on transcript NM_006231.4 (MANE Select); one copy of the 3-base unit ACA starting at c.5525; the reference has two copies in a row; one copy, 3 bases deleted; also written c.5528_5530del.
Protein change: p.Asn1843del; deletes asparagine 1843.
Molecular consequence: inframe deletion.
Genome position (GRCh38, 1-based): chr12:132,639,147-132,639,149, TGT deleted on the plus strand (ACA on the coding strand, the reverse complement: POLE is on the minus strand); deleting any 3 consecutive bases within chr12:132,639,147-132,639,152 gives the same sequence; the position shown is the placement nearest the transcript's 3' end. VCF-style (leftmost placement, unchanged base first): chr12-132639146-ATGT-A. GRCh37 (hg19) VCF-style: chr12-133215732-ATGT-A.
Other names: c.5528_5530del (NM_006231.3, NM_006231.4, NM_006231.2); c.5528_5530delACA (NM_006231.2); short protein forms N1843del.
Identifiers: ClinVar variation 240562 (VCV000240562.17), dbSNP rs868246375, ClinGen allele CA10582975.
Genomic context (GRCh38, chr12:132,639,146, plus strand): 5'-GAGGACGCGGTGGACAGCCCAGGGAGGAGGAGCACTCACTGCAGGAAGAGCTTCTTCATC[ATGT>A]TGTGGAGTGTGCGGTGCAGGGCAGGGTCATGAAGCAGAGAGGATGGCGACCGAAGCCAGC-3'